The following is an entry in ClinVar:

NM_012330.4(KAT6B):c.1675A>G (p.Lys559Glu)

Gene: KAT6B (lysine acetyltransferase 6B; plus strand). Cytogenetic location: 10q22.2.
Variant type: single nucleotide variant.
Coding change: c.1675A>G on transcript NM_012330.4 (MANE Select); coding-DNA position 1675, A replaced by G.
Protein change: p.Lys559Glu; replaces lysine 559 with glutamic acid.
Molecular consequence: missense variant. On other transcripts: intron variant (13).
Genome position (GRCh38, 1-based): chr10:74,976,012, A>G. VCF-style: chr10-74976012-A-G. GRCh37 (hg19) VCF-style: chr10-76735770-A-G.
Other names: c.1675A>G, p.Lys559Glu (NM_001370136.1, NM_001370137.1); c.1117+558A>G (NM_001370139.1, NM_001370140.1, NM_001370141.1 and 3 more transcripts); c.1444+231A>G (NM_001370138.1, NM_001256468.2); c.846+6237A>G (NM_001370133.1); c.193-3212A>G (NM_001370134.1); c.929-1304A>G (NM_001370143.1, NM_001370144.1); c.193-13007A>G (NM_001370135.1); c.1675A>G (NM_012330.2); short protein forms K559E.
Identifiers: ClinVar variation 2037250 (VCV002037250.5), dbSNP rs182593735, ClinGen allele CA5564454.
Genomic context (GRCh38, chr10:74,976,012, plus strand): 5'-CAGCTGAAGGCACTCTTTGATGGGCTTTCTCATATCTATACCACTCAGGGACAGTCTCGC[A>G]AAAAGGGACACCCGAGTTATGCACCACCCAAACGTATGCGTCGTAAAACTGAATTATCTT-3'
Protein context (NP_036462.2, residues 549-569): HIYTTQGQSR[Lys559Glu]KGHPSYAPPK

ClinVar aggregate classification (germline): Conflicting classifications of pathogenicity. Review status: criteria provided, conflicting classifications (1 of 4 stars). 2 submissions from 2 submitters: Uncertain significance (1); Likely benign (1). Last evaluated 2025-06-12.

Conditions:
Inborn genetic diseases. Identifiers: MedGen C0950123, MeSH D030342.
Genitopatellar syndrome (GTPTS). Also called: Genitopatellar syndrome (GPS); ABSENT PATELLAE, SCROTAL HYPOPLASIA, RENAL ANOMALIES, FACIAL DYSMORPHISM, AND MENTAL RETARDATION. Identifiers: Orphanet 85201, MedGen C1853566, MONDO:0011640, OMIM 606170.

Allele frequency attached by ClinVar (database versions not stated): ESP Exome Variant Server 0.00015; 1000 Genomes Project 30x 0.00016; 1000 Genomes Project 0.00020; ExAC 0.00004; gnomAD exomes 0.00004; gnomAD 0.00005 and 0.00006; TOPMed 0.00007 and 0.00008.
gnomAD v4.1: 98 of 1,614,156 alleles (0.0061%); highest among the groups gnomAD compares: Non-Finnish European, 0.0082%; no homozygotes.

Submissions (2):

Labcorp Genetics (formerly Invitae), Labcorp
Classification: Uncertain significance for Genitopatellar syndrome. Last evaluated: 2025-06-12. Review status: criteria provided, single submitter. Criteria: Invitae Variant Classification Sherloc (09022015). Collection method: clinical testing. Allele origin: germline.
Comment: This sequence change replaces lysine, which is basic and polar, with glutamic acid, which is acidic and polar, at codon 559 of the KAT6B protein (p.Lys559Glu). This variant is present in population databases (rs182593735, gnomAD 0.009%). This variant has not been reported in the literature in individuals affected with KAT6B-related conditions. ClinVar contains an entry for this variant (Variation ID: 2037250). An algorithm developed to predict the effect of missense changes on protein structure and function (PolyPhen-2) suggests that this variant is likely to be tolerated. In summary, the available evidence is currently insufficient to determine the role of this variant in disease. Therefore, it has been classified as a Variant of Uncertain Significance.

Ambry Genetics
Classification: Likely benign for Inborn genetic diseases. Last evaluated: 2024-03-07. Review status: criteria provided, single submitter. Criteria: Ambry Variant Classification Scheme 2023. Collection method: clinical testing. Allele origin: germline.